The following is an entry in ClinVar:

NM_000264.5(PTCH1):c.1577G>T (p.Gly526Val)

Gene: PTCH1 (patched 1; minus strand). Cytogenetic location: 9q22.32.
Variant type: single nucleotide variant.
Coding change: c.1577G>T on transcript NM_000264.5 (MANE Select); coding-DNA position 1577, G replaced by T.
Protein change: p.Gly526Val; replaces glycine 526 with valine.
Molecular consequence: missense variant. On other transcripts: non-coding transcript variant (1).
Genome position (GRCh38, 1-based): chr9:95,476,784, C>A on the plus strand (G>T on the coding strand, the complement: PTCH1 is on the minus strand). VCF-style: chr9-95476784-C-A. GRCh37 (hg19) VCF-style: chr9-98239066-C-A.
Other names: c.1379G>T, p.Gly460Val (NM_001083602.3); c.1574G>T, p.Gly525Val (NM_001083603.3); c.1124G>T, p.Gly375Val (NM_001083604.3, NM_001083605.3, NM_001083606.3 and 1 more transcripts); c.1421G>T, p.Gly474Val (NM_001354918.2); short protein forms G525V, G375V, G474V, G526V, G460V.
Identifiers: ClinVar variation 3635853 (VCV003635853.2).

ClinVar aggregate classification (germline): Uncertain significance (1 of 4 stars; one submission).

Conditions:
Gorlin syndrome. Also called: Nevoid Basal Cell Carcinoma Syndrome; Basal cell nevus syndrome. Identifiers: Orphanet 377, MedGen C0004779, MONDO:0007187.

Submission:

Labcorp Genetics (formerly Invitae), Labcorp
Classification: Uncertain significance for Gorlin syndrome. Last evaluated: 2024-07-16. Review status: criteria provided, single submitter. Criteria: Invitae Variant Classification Sherloc (09022015). Collection method: clinical testing. Allele origin: germline.
Comment: This sequence change replaces glycine, which is neutral and non-polar, with valine, which is neutral and non-polar, at codon 526 of the PTCH1 protein (p.Gly526Val). This variant is not present in population databases (gnomAD no frequency). This variant has not been reported in the literature in individuals affected with PTCH1-related conditions. Advanced modeling of protein sequence and biophysical properties (such as structural, functional, and spatial information, amino acid conservation, physicochemical variation, residue mobility, and thermodynamic stability) performed at Invitae indicates that this missense variant is not expected to disrupt PTCH1 protein function with a negative predictive value of 95%. In summary, the available evidence is currently insufficient to determine the role of this variant in disease. Therefore, it has been classified as a Variant of Uncertain Significance.